The following is an entry in ClinVar:

NM_207361.6(FREM2):c.5234A>G (p.Asp1745Gly)

Gene: FREM2 (FRAS1 related extracellular matrix 2; plus strand). Cytogenetic location: 13q13.3.
Variant type: single nucleotide variant.
Coding change: c.5234A>G on transcript NM_207361.6 (MANE Select); coding-DNA position 5234, A replaced by G.
Protein change: p.Asp1745Gly; replaces aspartic acid 1745 with glycine.
Molecular consequence: missense variant.
Genome position (GRCh38, 1-based): chr13:38,697,758, A>G. VCF-style: chr13-38697758-A-G. GRCh37 (hg19) VCF-style: chr13-39271895-A-G.
Other names: short protein forms D1745G.
Identifiers: ClinVar variation 3600965 (VCV003600965.1).

ClinVar aggregate classification (germline): Uncertain significance (1 of 4 stars; one submission).

Submission:

GeneDx
Classification: Uncertain significance. Last evaluated: 2024-07-25. Review status: criteria provided, single submitter. Criteria: GeneDx Variant Classification Process June 2021. Collection method: clinical testing. Allele origin: germline. Affected: yes.
Comment: Not observed at significant frequency in large population cohorts (gnomAD); In silico analysis supports that this missense variant has a deleterious effect on protein structure/function; Has not been previously published as pathogenic or benign to our knowledge